The following is an entry in ClinVar:

ClinVar aggregate classification (germline): Uncertain significance (1 of 4 stars; one submission).

Conditions:
Hypertrophic cardiomyopathy 14. Identifiers: MedGen C2750467, MONDO:0013197, OMIM 613251.

Submission:

Labcorp Genetics (formerly Invitae), Labcorp
Classification: Uncertain significance for Hypertrophic cardiomyopathy 14. Last evaluated: 2019-09-17. Review status: criteria provided, single submitter. Criteria: Invitae Variant Classification Sherloc (09022015). Collection method: clinical testing. Allele origin: germline.
Comment: In summary, the available evidence is currently insufficient to determine the role of this variant in disease. Therefore, it has been classified as a Variant of Uncertain Significance. Algorithms developed to predict the effect of missense changes on protein structure and function are either unavailable or do not agree on the potential impact of this missense change (SIFT: "Tolerated"; PolyPhen-2: "Probably Damaging"; Align-GVGD: "Class C0"). This variant has not been reported in the literature in individuals with MYH6-related conditions. This variant is not present in population databases (ExAC no frequency). This sequence change replaces alanine with glutamic acid at codon 972 of the MYH6 protein (p.Ala972Glu). The alanine residue is weakly conserved and there is a moderate physicochemical difference between alanine and glutamic acid.

NM_002471.4(MYH6):c.2915C>A (p.Ala972Glu)

Gene: MYH6 (myosin heavy chain 6; minus strand). Cytogenetic location: 14q11.2.
Variant type: single nucleotide variant.
Coding change: c.2915C>A on transcript NM_002471.4 (MANE Select); coding-DNA position 2915, C replaced by A.
Protein change: p.Ala972Glu; replaces alanine 972 with glutamic acid.
Molecular consequence: missense variant.
Genome position (GRCh38, 1-based): chr14:23,393,679, G>T on the plus strand (C>A on the coding strand, the complement: MYH6 is on the minus strand). VCF-style: chr14-23393679-G-T. GRCh37 (hg19) VCF-style: chr14-23862888-G-T.
Other names: short protein forms A972E.
Identifiers: ClinVar variation 934517 (VCV000934517.9), dbSNP rs1891307559, ClinGen allele CA389011733.